The following is an entry in ClinVar:

ClinVar aggregate classification (germline): Pathogenic/Likely pathogenic. Review status: criteria provided, multiple submitters, no conflicts (2 of 4 stars). 6 submissions from 6 submitters: Pathogenic (3); Likely pathogenic (3). Last evaluated 2026-08-13.

Conditions:
Adult hypophosphatasia. Identifiers: Orphanet 247676, Orphanet 436, MedGen C0268413, MONDO:1010154, OMIM 146300, MONDO:0007798.
Childhood hypophosphatasia. Identifiers: Orphanet 247667, Orphanet 436, MedGen C0220743, MONDO:1010168, OMIM 241510, MONDO:0009428.
Infantile hypophosphatasia. Identifiers: Orphanet 247651, Orphanet 436, MedGen C0268412, MONDO:1010169, OMIM 241500, MONDO:0009427.
Hypophosphatasia. Also called: Phosphoethanol-aminuria. Identifiers: Orphanet 436, MedGen C0020630, MeSH D007014, MONDO:0018570.
ALPL-related disorder. Also called: ALPL-related disorders; ALPL-related condition.

gnomAD v4.1: 1 of 1,613,672 alleles (0.000062%); highest among the groups gnomAD compares: African/African-American, 0.0013%; no homozygotes.

Submissions (6):

JKU Lab, Dept of Paediatrics, Johannes Kepler University
Classification: Pathogenic for Hypophosphatasia. Last evaluated: 2026-08-13. Review status: criteria provided, single submitter. Criteria: ACMG Guidelines, 2015. Collection method: curation. Allele origin: germline. Affected: yes.
Comment: This nonsense variant is present in GnomAD 4.1 (6.8427e-07). The REVEL-score is not applicable. Splice-prediction algorithms predict no effect on splicing. This variant has been reported in the literature in individuals affected with ALPL-related conditions (PMID:32973344).

Blueprint Genetics
Classification: Likely pathogenic for ALPL-related disorders. Last evaluated: 2024-05-27. Review status: criteria provided, single submitter. Criteria: ACMG Guidelines, 2015. Collection method: clinical testing. Allele origin: germline. Affected: yes. Observed: 1 variant allele.

Labcorp Genetics (formerly Invitae), Labcorp
Classification: Pathogenic. Last evaluated: 2024-03-07. Review status: criteria provided, single submitter. Criteria: Invitae Variant Classification Sherloc (09022015). Collection method: clinical testing. Allele origin: germline.
Comment: This sequence change creates a premature translational stop signal (p.Glu83*) in the ALPL gene. It is expected to result in an absent or disrupted protein product. Loss-of-function variants in ALPL are known to be pathogenic (PMID: 3174660, 10679946, 32973344, 33814268). This variant is not present in population databases (gnomAD no frequency). This variant has not been reported in the literature in individuals affected with ALPL-related conditions. ClinVar contains an entry for this variant (Variation ID: 1339258). Algorithms developed to predict the effect of sequence changes on RNA splicing suggest that this variant may disrupt the consensus splice site. For these reasons, this variant has been classified as Pathogenic.

PreventionGenetics, part of Exact Sciences
Classification: Likely pathogenic for ALPL-related condition. Last evaluated: 2023-06-12. Review status: criteria provided, single submitter. Criteria: ACMG Guidelines, 2015. Collection method: clinical testing. Allele origin: germline.
Comment: The ALPL c.247G>T variant is predicted to result in premature protein termination (p.Glu83*). To our knowledge, this variant has not been reported in the literature or in a large population database, indicating this variant is rare. Nonsense variants in ALPL are expected to be pathogenic. This variant is interpreted as likely pathogenic.

Fulgent Genetics
Classification: Likely pathogenic for Adult hypophosphatasia; Infantile hypophosphatasia; Childhood hypophosphatasia. Last evaluated: 2022-02-28. Review status: criteria provided, single submitter. Criteria: ACMG Guidelines, 2015. Collection method: clinical testing. Allele origin: unknown.

Molecular Diagnostics Laboratory, M Health Fairview: University of Minnesota
Classification: Pathogenic for Hypophosphatasia. Last evaluated: 2021-10-01. Review status: criteria provided, single submitter. Criteria: ACMG Guidelines, 2015. Collection method: clinical testing. Allele origin: germline. Affected: yes.

Literature cited by the submitters: PubMed 32973344 (cited by JKU Lab, Dept of Paediatrics, Johannes Kepler University and Labcorp Genetics (formerly Invitae), Labcorp); PubMed 3174660 (cited by Labcorp Genetics (formerly Invitae), Labcorp); PubMed 10679946 (cited by Labcorp Genetics (formerly Invitae), Labcorp); PubMed 33814268 (cited by Labcorp Genetics (formerly Invitae), Labcorp).

NM_000478.6(ALPL):c.247G>T (p.Glu83Ter)

Gene: ALPL (alkaline phosphatase, biomineralization associated; plus strand). Cytogenetic location: 1p36.12.
Variant type: single nucleotide variant.
Coding change: c.247G>T on transcript NM_000478.6 (MANE Select); coding-DNA position 247, G replaced by T.
Protein change: p.Glu83Ter; replaces glutamic acid 83 with a stop codon.
Molecular consequence: nonsense. On other transcripts: intron variant (1).
Genome position (GRCh38, 1-based): chr1:21,561,162, G>T. VCF-style: chr1-21561162-G-T. GRCh37 (hg19) VCF-style: chr1-21887655-G-T.
Other names: p.Glu83*; c.247G>T (NM_000478.5); c.82G>T, p.Glu28Ter (NM_001127501.4); c.247G>T, p.Glu83Ter (NM_001369803.2, NM_001369804.2, NM_001369805.2); c.66+417G>T (NM_001177520.3); short protein forms E28*, E83*.
Identifiers: ClinVar variation 1339258 (VCV001339258.7), dbSNP rs2148152544, ClinGen allele CA338878072.
Genomic context (GRCh38, chr1:21,561,162, plus strand): 5'-GGTGTCTCCACAGTGACGGCTGCCCGCATCCTCAAGGGTCAGCTCCACCACAACCCTGGG[G>T]AGGAGACCAGGCTGGAGATGGACAAGTTCCCCTTCGTGGCCCTCTCCAAGGTGAGCCCCA-3'